The following is an entry in ClinVar:

NM_001035.3(RYR2):c.10230+20T>C

Gene: RYR2 (ryanodine receptor 2; plus strand). Cytogenetic location: 1q43.
Variant type: single nucleotide variant.
Coding change: c.10230+20T>C on transcript NM_001035.3 (MANE Select); 20 bases into the intron after coding-DNA position 10230, T replaced by C.
Molecular consequence: intron variant.
Genome position (GRCh38, 1-based): chr1:237,709,587, T>C. VCF-style: chr1-237709587-T-C. GRCh37 (hg19) VCF-style: chr1-237872887-T-C.
Other names: c.10230+20T>C (LRG_402t1).
Identifiers: ClinVar variation 36728 (VCV000036728.32), dbSNP rs74323916, ClinGen allele CA006557.
Genomic context (GRCh38, chr1:237,709,587, plus strand): 5'-GCATGGTGGCTGAAGTGTTTATCTACTGGTCGAAGTCCCATGTGAGTGTGAAAATATTGA[T>C]AGATCACGCCTACTGTTTGTAGGCACCTGCTTACTTGCCTCCTAGGTTTCATGTAACAGT-3'

ClinVar aggregate classification (germline): Benign/Likely benign. Review status: criteria provided, multiple submitters, no conflicts (2 of 4 stars). 10 submissions from 10 submitters: Benign (4); Likely benign (2). 4 of the submissions do not count toward it. Last evaluated 2026-02-04.

Conditions:
Catecholaminergic polymorphic ventricular tachycardia 1. Also called: RYR2-Related Catecholaminergic Polymorphic Ventricular Tachycardia; VENTRICULAR TACHYCARDIA, CATECHOLAMINERGIC POLYMORPHIC, 1, WITH OR WITHOUT ATRIAL DYSFUNCTION AND/OR DILATED CARDIOMYOPATHY; VENTRICULAR TACHYCARDIA, STRESS-INDUCED POLYMORPHIC 1. Identifiers: Orphanet 3286, MedGen C1631597, MONDO:0011484, OMIM 604772.

Allele frequency attached by ClinVar (database versions not stated): TOPMed 0.01155; ESP Exome Variant Server 0.01277; gnomAD exomes 0.01431 and 0.01122; ExAC 0.01449; 1000 Genomes Project 0.00938; 1000 Genomes Project 30x 0.00999; gnomAD 0.01096 and 0.01122.
gnomAD v4.1: 21,162 of 1,519,598 alleles (1.4%); highest among the groups gnomAD compares: Middle Eastern, 2.2%; 179 homozygotes.

Submissions (10):

Labcorp Genetics (formerly Invitae), Labcorp
Classification: Benign for Catecholaminergic polymorphic ventricular tachycardia 1. Last evaluated: 2026-02-04. Review status: criteria provided, single submitter. Criteria: Invitae Variant Classification Sherloc (09022015). Collection method: clinical testing. Allele origin: germline.

ARUP Laboratories, Molecular Genetics and Genomics, ARUP Laboratories
Classification: Benign. Last evaluated: 2023-11-22. Review status: criteria provided, single submitter. Criteria: ARUP Molecular Germline Variant Investigation Process 2024. Collection method: clinical testing. Allele origin: germline.

Women's Health and Genetics/Laboratory Corporation of America, LabCorp
Classification: Benign. Last evaluated: 2019-08-26. Review status: criteria provided, single submitter. Criteria: LabCorp Variant Classification Summary - May 2015. Collection method: clinical testing. Allele origin: germline.
Comment: Variant summary: RYR2 c.10230+20T>C alters a non-conserved nucleotide located close to a canonical splice site and therefore could affect mRNA splicing, leading to a significantly altered protein sequence. The variant allele was found at a frequency of 0.011 in 222208 control chromosomes in the gnomAD database, including 19 homozygotes. The observed variant frequency is approximately 187 fold of the estimated maximal expected allele frequency for a pathogenic variant in RYR2 causing Arrhythmia phenotype (6e-05), strongly suggesting that the variant is benign. No clinical diagnostic laboratories have submitted clinical-significance assessments for this variant to ClinVar after 2014. Based on the evidence outlined above, the variant was classified as benign.

GeneDx
Classification: Benign. Last evaluated: 2015-03-03. Review status: criteria provided, single submitter. Criteria: GeneDx Variant Classification Process June 2021. Collection method: clinical testing. Allele origin: germline. Affected: yes.

Breakthrough Genomics
Classification: Likely benign. Review status: criteria provided, single submitter. Criteria: ACMG Guidelines, 2015. Collection method: not provided. Allele origin: germline. Inheritance: Autosomal dominant inheritance. Affected: yes.

PreventionGenetics, part of Exact Sciences
Classification: Likely benign. Review status: criteria provided, single submitter. Criteria: ACMG Guidelines, 2015. Collection method: clinical testing. Allele origin: germline.

Clinical Genetics DNA and cytogenetics Diagnostics Lab, Erasmus MC, Erasmus Medical Center
Classification: Benign. Review status: no assertion criteria provided. Collection method: clinical testing. Allele origin: germline. Affected: yes. Study: VKGL Data-share Consensus. Not counted in ClinVar's aggregate classification.

Clinical Genetics, Academic Medical Center
Classification: Benign. Review status: no assertion criteria provided. Collection method: clinical testing. Allele origin: germline. Affected: yes. Study: VKGL Data-share Consensus. Not counted in ClinVar's aggregate classification.

Diagnostic Laboratory, Department of Genetics, University Medical Center Groningen
Classification: Likely benign. Review status: no assertion criteria provided. Collection method: clinical testing. Allele origin: germline. Affected: yes. Study: VKGL Data-share Consensus. Not counted in ClinVar's aggregate classification.

Joint Genome Diagnostic Labs from Nijmegen and Maastricht, Radboudumc and MUMC+
Classification: Benign. Review status: no assertion criteria provided. Collection method: clinical testing. Allele origin: germline. Affected: yes. Study: VKGL Data-share Consensus. Not counted in ClinVar's aggregate classification.